The following is an entry in ClinVar:

ClinVar aggregate classification (germline): Uncertain significance. Review status: criteria provided, multiple submitters, no conflicts (2 of 4 stars). 4 submissions from 4 submitters: Uncertain significance (3). 1 of the submissions does not count toward it. Last evaluated 2024-02-17.

Conditions:
Bardet-Biedl syndrome 13 (BBS13). Identifiers: Orphanet 110, MedGen C2673873, MONDO:0014441, OMIM 615990.
Meckel syndrome, type 1 (MKS1). Also called: MECKEL-GRUBER SYNDROME, TYPE 1. Identifiers: Orphanet 564, MedGen C3714506, MONDO:0009571, OMIM 249000.
Joubert syndrome 28 (JBTS28). Identifiers: MedGen C4310705, MONDO:0014928, OMIM 617121.
Meckel-Gruber syndrome. Also called: Dysencephalia splachnocystica; DYSENCEPHALIA SPLANCHNOCYSTICA; GRUBER SYNDROME. Identifiers: Orphanet 564, MedGen C0265215, MONDO:0018921.
Joubert syndrome. Also called: Familial aplasia of the vermis; CEREBELLOPARENCHYMAL DISORDER IV; JOUBERT-BOLTSHAUSER SYNDROME. Identifiers: Orphanet 475, MedGen C5979921, MONDO:0018772.
Inborn genetic diseases. Identifiers: MedGen C0950123, MeSH D030342.

gnomAD v4.1: 24 of 1,613,758 alleles (0.0015%); highest among the groups gnomAD compares: Non-Finnish European, 0.0019%; no homozygotes.

Submissions (4):

Fulgent Genetics
Classification: Uncertain significance for Meckel syndrome, type 1; Bardet-Biedl syndrome 13; Joubert syndrome 28. Last evaluated: 2024-02-17. Review status: criteria provided, single submitter. Criteria: ACMG Guidelines, 2015. Collection method: clinical testing. Allele origin: germline.

Ambry Genetics
Classification: Uncertain significance for Inborn genetic diseases. Last evaluated: 2022-10-12. Review status: criteria provided, single submitter. Criteria: Ambry Variant Classification Scheme 2023. Collection method: clinical testing. Allele origin: germline.

Labcorp Genetics (formerly Invitae), Labcorp
Classification: Uncertain significance for Joubert syndrome; Meckel-Gruber syndrome. Last evaluated: 2021-09-01. Review status: criteria provided, single submitter. Criteria: Invitae Variant Classification Sherloc (09022015). Collection method: clinical testing. Allele origin: germline.
Comment: This sequence change replaces proline with leucine at codon 374 of the MKS1 protein (p.Pro374Leu). The proline residue is highly conserved and there is a moderate physicochemical difference between proline and leucine. This variant is not present in population databases (ExAC no frequency). This variant has not been reported in the literature in individuals affected with MKS1-related conditions. Algorithms developed to predict the effect of missense changes on protein structure and function are either unavailable or do not agree on the potential impact of this missense change (SIFT: "Tolerated"; PolyPhen-2: "Possibly Damaging"; Align-GVGD: "Class C0"). In summary, the available evidence is currently insufficient to determine the role of this variant in disease. Therefore, it has been classified as a Variant of Uncertain Significance.

Natera, Inc.
Classification: Uncertain significance for Meckel syndrome type 1. Last evaluated: 2020-08-14. Review status: no assertion criteria provided. Collection method: clinical testing. Allele origin: germline. Not counted in ClinVar's aggregate classification.

NM_017777.4(MKS1):c.1121C>T (p.Pro374Leu)

Gene: MKS1 (MKS transition zone complex subunit 1; minus strand). Cytogenetic location: 17q22.
Variant type: single nucleotide variant.
Coding change: c.1121C>T on transcript NM_017777.4 (MANE Select); coding-DNA position 1121, C replaced by T.
Protein change: p.Pro374Leu; replaces proline 374 with leucine.
Molecular consequence: missense variant.
Genome position (GRCh38, 1-based): chr17:58,208,149, G>A on the plus strand (C>T on the coding strand, the complement: MKS1 is on the minus strand). VCF-style: chr17-58208149-G-A. GRCh37 (hg19) VCF-style: chr17-56285510-G-A.
Other names: c.512C>T, p.Pro171Leu (NM_001321268.2); c.1121C>T, p.Pro374Leu (NM_001321269.2, NM_001330397.2); short protein forms P374L, P171L.
Identifiers: ClinVar variation 938307 (VCV000938307.10), dbSNP rs773157492, ClinGen allele CA292008778.